The following is an entry in ClinVar:

NM_007126.5(VCP):c.1120G>A (p.Ala374Thr)

Gene: VCP (valosin containing protein; minus strand). Cytogenetic location: 9p13.3.
Variant type: single nucleotide variant.
Coding change: c.1120G>A on transcript NM_007126.5 (MANE Select); coding-DNA position 1120, G replaced by A.
Protein change: p.Ala374Thr; replaces alanine 374 with threonine.
Molecular consequence: missense variant.
Genome position (GRCh38, 1-based): chr9:35,061,651, C>T on the plus strand (G>A on the coding strand, the complement: VCP is on the minus strand). VCF-style: chr9-35061651-C-T. GRCh37 (hg19) VCF-style: chr9-35061648-C-T.
Other names: c.985G>A, p.Ala329Thr (NM_001354927.2, NM_001354928.2); short protein forms A329T, A374T.
Identifiers: ClinVar variation 4075566 (VCV004075566.1).

ClinVar aggregate classification (germline): Uncertain significance (1 of 4 stars; one submission).

gnomAD v4.1: 1 of 1,614,042 alleles (0.000062%); highest among the groups gnomAD compares: Non-Finnish European, 0.000085%; no homozygotes.

Submission:

GeneDx
Classification: Uncertain significance. Last evaluated: 2025-02-16. Review status: criteria provided, single submitter. Criteria: GeneDx Variant Classification Process June 2021. Collection method: clinical testing. Allele origin: germline. Affected: yes.
Comment: Not observed at significant frequency in large population cohorts (gnomAD); In silico analysis indicates that this missense variant does not alter protein structure/function; Has not been previously published as pathogenic or benign to our knowledge